The following is an entry in ClinVar:

NM_053025.4(MYLK):c.3314A>G (p.Gln1105Arg)

Gene: MYLK (myosin light chain kinase; minus strand). Cytogenetic location: 3q21.1.
Variant type: single nucleotide variant.
Coding change: c.3314A>G on transcript NM_053025.4 (MANE Select); coding-DNA position 3314, A replaced by G.
Protein change: p.Gln1105Arg; replaces glutamine 1105 with arginine.
Molecular consequence: missense variant.
Genome position (GRCh38, 1-based): chr3:123,700,154, T>C on the plus strand (A>G on the coding strand, the complement: MYLK is on the minus strand). VCF-style: chr3-123700154-T-C. GRCh37 (hg19) VCF-style: chr3-123419001-T-C.
Other names: c.2786A>G, p.Gln929Arg (NM_001321309.2); c.3107A>G, p.Gln1036Arg (NM_053026.4, NM_053028.4); c.3314A>G, p.Gln1105Arg (NM_053027.4); short protein forms Q1036R, Q1105R, Q929R.
Identifiers: ClinVar variation 5025219 (VCV005025219.1).

ClinVar aggregate classification (germline): Uncertain significance (1 of 4 stars; one submission).

Conditions:
Familial thoracic aortic aneurysm and aortic dissection (TAAD). Also called: Thoracic aortic aneurysms and dissections. Identifiers: Orphanet 91387, MedGen C4707243, MONDO:0019625.

Submission:

Ambry Genetics
Classification: Uncertain significance for Familial thoracic aortic aneurysm and aortic dissection. Last evaluated: 2026-09-12. Review status: criteria provided, single submitter. Criteria: Ambry Variant Classification Scheme 2023. Collection method: clinical testing. Allele origin: germline.
Comment: The p.Q1105R variant (also known as c.3314A>G), located in coding exon 15 of the MYLK gene, results from an A to G substitution at nucleotide position 3314. The glutamine at codon 1105 is replaced by arginine, an amino acid with highly similar properties. This amino acid position is conserved. In addition, this alteration is predicted to be tolerated by in silico analysis. Based on the available evidence, the clinical significance of this variant remains unclear.